The following is an entry in ClinVar:

NM_000051.4(ATM):c.663-16G>C

Gene: ATM (ATM serine/threonine kinase; plus strand). Cytogenetic location: 11q22.3.
Variant type: single nucleotide variant.
Coding change: c.663-16G>C on transcript NM_000051.4 (MANE Select); 16 bases into the intron before coding-DNA position 663, G replaced by C.
Molecular consequence: intron variant.
Genome position (GRCh38, 1-based): chr11:108,244,772, G>C. VCF-style: chr11-108244772-G-C. GRCh37 (hg19) VCF-style: chr11-108115499-G-C.
Other names: c.663-16G>C (NM_001351834.2).
Identifiers: ClinVar variation 2781795 (VCV002781795.4), dbSNP rs2079751648, ClinGen allele CA1998764753.

ClinVar aggregate classification (germline): Likely benign. Review status: criteria provided, multiple submitters, no conflicts (2 of 4 stars). 2 submissions from 2 submitters: Likely benign (2). Last evaluated 2024-05-12.

Conditions:
Ataxia-telangiectasia syndrome (AT). Also called: Cerebello-oculocutaneous telangiectasia; Immunodeficiency with ataxia telangiectasia; Ataxia-telangiectasia, complementation group E; Ataxia telangiectasia (A-T); LOUIS-BAR SYNDROME; ATAXIA-TELANGIECTASIA, COMPLEMENTATION GROUP A. Identifiers: Orphanet 100, MedGen C0004135, MONDO:0008840, OMIM 208900.
Familial cancer of breast. Also called: Hereditary breast cancer; hereditary breast carcinoma; BREAST CANCER, FAMILIAL. Identifiers: Orphanet 227535, MedGen C0346153, MONDO:0016419, OMIM 114480. Disease mechanism: loss of function.

Submissions (2):

Labcorp Genetics (formerly Invitae), Labcorp
Classification: Likely benign for Ataxia-telangiectasia syndrome. Last evaluated: 2024-05-12. Review status: criteria provided, single submitter. Criteria: Invitae Variant Classification Sherloc (09022015). Collection method: clinical testing. Allele origin: germline.

Myriad Genetics, Inc.
Classification: Likely benign for Familial cancer of breast. Last evaluated: 2024-04-22. Review status: criteria provided, single submitter. Criteria: Myriad Autosomal Dominant, Autosomal Recessive and X-Linked Classification Criteria (2023). Collection method: clinical testing. Allele origin: unknown.
Comment: This variant is considered likely benign. This variant is intronic and is not expected to impact mRNA splicing.